The following is an entry in ClinVar:

NM_005562.3(LAMC2):c.954-1G>A

Gene: LAMC2 (laminin subunit gamma 2; plus strand). Cytogenetic location: 1q25.3.
Variant type: single nucleotide variant.
Coding change: c.954-1G>A on transcript NM_005562.3 (MANE Select); the canonical splice acceptor site of the intron before coding-DNA position 954, G replaced by A.
Molecular consequence: splice acceptor variant.
Genome position (GRCh38, 1-based): chr1:183,225,607, G>A. VCF-style: chr1-183225607-G-A. GRCh37 (hg19) VCF-style: chr1-183194742-G-A.
Other names: c.954-1G>A (NM_018891.3).
Identifiers: ClinVar variation 639494 (VCV000639494.7), dbSNP rs149195906, ClinGen allele CA33974849.

ClinVar aggregate classification (germline): Likely pathogenic (1 of 4 stars; one submission).

Allele frequency attached by ClinVar (database versions not stated): TOPMed below 0.00001; gnomAD 0.00001; ESP Exome Variant Server 0.00008.
gnomAD v4.1: 1 of 1,600,366 alleles (0.000062%); highest among the groups gnomAD compares: African/African-American, 0.0013%; no homozygotes.

Submission:

Labcorp Genetics (formerly Invitae), Labcorp
Classification: Likely pathogenic. Last evaluated: 2018-08-11. Review status: criteria provided, single submitter. Criteria: Invitae Variant Classification Sherloc (09022015). Collection method: clinical testing. Allele origin: germline.
Comment: This sequence change affects an acceptor splice site in intron 7 of the LAMC2 gene. It is expected to disrupt RNA splicing and likely results in an absent or disrupted protein product. This variant is not present in population databases (ExAC no frequency). This variant has not been reported in the literature in individuals with LAMC2-related disease. Donor and acceptor splice site variants typically lead to a loss of protein function (PMID: 16199547), and loss-of-function variants in LAMC2 are known to be pathogenic (PMID: 11907499, 16473856). In summary, the currently available evidence indicates that the variant is pathogenic, but additional data are needed to prove that conclusively. Therefore, this variant has been classified as Likely Pathogenic.

Literature cited by the submitters: PubMed 16199547; PubMed 11907499; PubMed 16473856.